The following is an entry in ClinVar:

ClinVar aggregate classification (germline): Pathogenic (1 of 4 stars; one submission).

Conditions:
Mucopolysaccharidosis type 1. Also called: IDUA deficiency; MPS I; Mucopolysaccharidosis Type I. Identifiers: Orphanet 579, MedGen C0023786, MONDO:0001586.

Submission:

Labcorp Genetics (formerly Invitae), Labcorp
Classification: Pathogenic for Mucopolysaccharidosis type 1. Last evaluated: 2021-10-09. Review status: criteria provided, single submitter. Criteria: Invitae Variant Classification Sherloc (09022015). Collection method: clinical testing. Allele origin: germline.
Comment: For these reasons, this variant has been classified as Pathogenic. This variant has not been reported in the literature in individuals affected with IDUA-related conditions. This variant is not present in population databases (ExAC no frequency). This sequence change creates a premature translational stop signal (p.Leu216Alafs*181) in the IDUA gene. It is expected to result in an absent or disrupted protein product. Loss-of-function variants in IDUA are known to be pathogenic (PMID: 11735025, 21480867).

Literature cited by the submitters: PubMed 11735025; PubMed 21480867.

NM_000203.5(IDUA):c.642_646del (p.Leu216fs)

Gene: IDUA (alpha-L-iduronidase; plus strand). Cytogenetic location: 4p16.3.
Variant type: Deletion.
Coding change: c.642_646del on transcript NM_000203.5 (MANE Select); coding-DNA positions 642 to 646, 5 bases deleted (CGCCC; older notation c.642_646delCGCCC).
Protein change: p.Leu216fs; shifts the reading frame from leucine 216.
Molecular consequence: frameshift variant. On other transcripts: non-coding transcript variant (1).
Genome position (GRCh38, 1-based): chr4:1,001,731-1,001,735, CGCCC deleted; deleting any 5 consecutive bases within chr4:1,001,727-1,001,735 gives the same sequence; the c. name uses the placement nearest the transcript's 3' end. VCF-style (leftmost placement, unchanged base first): chr4-1001726-AGCCCC-A. GRCh37 (hg19) VCF-style: chr4-995514-AGCCCC-A.
Other names: c.246_250del, p.Leu84fs (NM_001363576.1); short protein forms L216fs, L84fs.
Identifiers: ClinVar variation 1454535 (VCV001454535.6), dbSNP rs2153022009, ClinGen allele CA2573137566.